The following is an entry in ClinVar:

ClinVar aggregate classification (germline): Conflicting classifications of pathogenicity. Review status: criteria provided, conflicting classifications (1 of 4 stars). 4 submissions from 4 submitters: Uncertain significance (3); Likely benign (1). Last evaluated 2026-07-15.

Conditions:
IFT140-related disorder. Also called: IFT140-related condition.
Inborn genetic diseases. Identifiers: MedGen C0950123, MeSH D030342.
Saldino-Mainzer syndrome (SRTD9). Also called: SHORT-RIB THORACIC DYSPLASIA 9 WITHOUT POLYDACTYLY; CONORENAL SYNDROME; short-rib thoracic dysplasia 9 with or without polydactyly; Renal dysplasia, retinal pigmentary dystrophy, cerebellar ataxia and skeletal dysplasia. Identifiers: Orphanet 140969, MedGen C1849437, MONDO:0009964, OMIM 266920.
Retinitis pigmentosa 80 (RP80). Identifiers: MedGen C4540439, MONDO:0054708, OMIM 617781.

Allele frequency attached by ClinVar (database versions not stated): gnomAD exomes 0.00001; ExAC 0.00002; gnomAD 0.00003; TOPMed 0.00004; 1000 Genomes Project 30x 0.00016.
gnomAD v4.1: 19 of 1,604,154 alleles (0.0012%); highest among the groups gnomAD compares: African/African-American, 0.02%; no homozygotes.

Submissions (4):

PreventionGenetics, part of Exact Sciences
Classification: Uncertain significance for IFT140-related condition. Last evaluated: 2026-07-15. Review status: criteria provided, single submitter. Criteria: ACMG Guidelines, 2015. Collection method: clinical testing. Allele origin: germline.
Comment: The IFT140 c.1972C>T variant is predicted to result in the amino acid substitution p.Pro658Ser. To our knowledge, this variant has not been reported in the literature. This variant is reported in 0.016% of alleles in individuals of African descent in gnomAD. Another variant affecting the same amino acid position, c.1973C>T, p.(Pro658Leu), was reported along with a second IFT140 variant in an individual with retinitis pigmentosa (Table S2, Martin-Merida et al. 2019. PubMed ID: 30902645). At this time, the clinical significance of this c.1972C>T, p.(Pro658Ser) variant is uncertain due to the absence of conclusive functional and genetic evidence.

Labcorp Genetics (formerly Invitae), Labcorp
Classification: Likely benign for Saldino-Mainzer syndrome. Last evaluated: 2025-12-11. Review status: criteria provided, single submitter. Criteria: Invitae Variant Classification Sherloc (09022015). Collection method: clinical testing. Allele origin: germline.

Ambry Genetics
Classification: Uncertain significance for Inborn genetic diseases. Last evaluated: 2025-10-18. Review status: criteria provided, single submitter. Criteria: Ambry Variant Classification Scheme 2023. Collection method: clinical testing. Allele origin: germline.

Fulgent Genetics
Classification: Uncertain significance for Saldino-Mainzer syndrome; Retinitis pigmentosa 80. Last evaluated: 2024-05-06. Review status: criteria provided, single submitter. Criteria: ACMG Guidelines, 2015. Collection method: clinical testing. Allele origin: germline.

NM_014714.4(IFT140):c.1972C>T (p.Pro658Ser)

Gene: IFT140 (intraflagellar transport 140; minus strand). Cytogenetic location: 16p13.3.
Variant type: single nucleotide variant.
Coding change: c.1972C>T on transcript NM_014714.4 (MANE Select); coding-DNA position 1972, C replaced by T.
Protein change: p.Pro658Ser; replaces proline 658 with serine.
Molecular consequence: missense variant.
Genome position (GRCh38, 1-based): chr16:1,564,092, G>A on the plus strand (C>T on the coding strand, the complement: IFT140 is on the minus strand). VCF-style: chr16-1564092-G-A. GRCh37 (hg19) VCF-style: chr16-1614093-G-A.
Other names: c.1972C>T (NM_014714.3); short protein forms P658S.
Identifiers: ClinVar variation 1036313 (VCV001036313.14), dbSNP rs778960409, ClinGen allele CA7814063.
Genomic context (GRCh38, chr16:1,564,092, plus strand): 5'-TTGCAGACTGAGGCTGGGAGCGCGGCGTCTCCTGCACGGCTTCGCATACAAACAGCCGGG[G>A]CTCACTCTGGTCCCAGAAGTGGTTCACGGGAACATAATTTTTCAGTCCCTCATCCACAAA-3'
Protein context (NP_055529.2, residues 648-668): PVNHFWDQSE[Pro658Ser]RLFVCEAVQE